The following is an entry in ClinVar:

ClinVar aggregate classification (germline): Uncertain significance (1 of 4 stars; one submission).

Conditions:
Wolman disease (WOLD). Also called: Acid cholesteryl ester hydrolase deficiency, Wolman type; Acid lipase disease; LYSOSOMAL ACID LIPASE DEFICIENCY, ACUTE INFANTILE; LYSOSOMAL ACID LIPASE DEFICIENCY, COMPLETE; LIPA DEFICIENCY, COMPLETE; LAL DEFICIENCY, COMPLETE. Identifiers: Orphanet 75233, MedGen C0043208, MONDO:0019148, OMIM 620151.

Submission:

Labcorp Genetics (formerly Invitae), Labcorp
Classification: Uncertain significance for Wolman disease. Last evaluated: 2025-04-07. Review status: criteria provided, single submitter. Criteria: Invitae Variant Classification Sherloc (09022015). Collection method: clinical testing. Allele origin: germline.
Comment: This sequence change replaces serine, which is neutral and polar, with phenylalanine, which is neutral and non-polar, at codon 135 of the LIPA protein (p.Ser135Phe). This variant is not present in population databases (gnomAD no frequency). This variant has not been reported in the literature in individuals affected with LIPA-related conditions. ClinVar contains an entry for this variant (Variation ID: 1720943). Invitae Evidence Modeling of protein sequence and biophysical properties (such as structural, functional, and spatial information, amino acid conservation, physicochemical variation, residue mobility, and thermodynamic stability) indicates that this missense variant is not expected to disrupt LIPA protein function with a negative predictive value of 95%. In summary, the available evidence is currently insufficient to determine the role of this variant in disease. Therefore, it has been classified as a Variant of Uncertain Significance.

NM_000235.4(LIPA):c.404C>T (p.Ser135Phe)

Gene: LIPA (lipase A, lysosomal acid type; minus strand). Cytogenetic location: 10q23.31.
Variant type: single nucleotide variant.
Coding change: c.404C>T on transcript NM_000235.4 (MANE Select); coding-DNA position 404, C replaced by T.
Protein change: p.Ser135Phe; replaces serine 135 with phenylalanine.
Molecular consequence: missense variant.
Genome position (GRCh38, 1-based): chr10:89,228,224, G>A on the plus strand (C>T on the coding strand, the complement: LIPA is on the minus strand). VCF-style: chr10-89228224-G-A. GRCh37 (hg19) VCF-style: chr10-90987981-G-A.
Other names: c.404C>T, p.Ser135Phe (NM_001127605.3); c.56C>T, p.Ser19Phe (NM_001288979.2); short protein forms S135F, S19F.
Identifiers: ClinVar variation 1720943 (VCV001720943.6), dbSNP rs2495595133, ClinGen allele CA377517778.